The following is an entry in ClinVar:

ClinVar aggregate classification (germline): Uncertain significance (1 of 4 stars; one submission).

Submission:

Labcorp Genetics (formerly Invitae), Labcorp
Classification: Uncertain significance. Last evaluated: 2025-12-08. Review status: criteria provided, single submitter. Criteria: Invitae Variant Classification Sherloc (09022015). Collection method: clinical testing. Allele origin: germline.
Comment: This sequence change replaces glutamic acid, which is acidic and polar, with glutamine, which is neutral and polar, at codon 199 of the SOX18 protein (p.Glu199Gln). This variant is not present in population databases (gnomAD no frequency). This variant has not been reported in the literature in individuals affected with SOX18-related conditions. Invitae Evidence Modeling of protein sequence and biophysical properties (such as structural, functional, and spatial information, amino acid conservation, physicochemical variation, residue mobility, and thermodynamic stability) indicates that this missense variant is not expected to disrupt SOX18 protein function with a negative predictive value of 80%. In summary, the available evidence is currently insufficient to determine the role of this variant in disease. Therefore, it has been classified as a Variant of Uncertain Significance.

NM_018419.3(SOX18):c.595G>C (p.Glu199Gln)

Gene: SOX18 (SRY-box transcription factor 18; minus strand). Cytogenetic location: 20q13.33.
Variant type: single nucleotide variant.
Coding change: c.595G>C on transcript NM_018419.3 (MANE Select); coding-DNA position 595, G replaced by C.
Protein change: p.Glu199Gln; replaces glutamic acid 199 with glutamine.
Molecular consequence: missense variant.
Genome position (GRCh38, 1-based): chr20:64,048,726, C>G on the plus strand (G>C on the coding strand, the complement: SOX18 is on the minus strand). VCF-style: chr20-64048726-C-G. GRCh37 (hg19) VCF-style: chr20-62680079-C-G.
Other names: short protein forms E199Q.
Identifiers: ClinVar variation 4772568 (VCV004772568.1).